The following is an entry in ClinVar:

NM_006384.4(CIB1):c.20G>T (p.Arg7Leu)

Genes: CIB1 (calcium and integrin binding 1; minus strand), LOC130057907 (ATAC-STARR-seq lymphoblastoid silent region 6817; plus strand). Cytogenetic location: 15q26.1.
Variant type: single nucleotide variant.
Coding change: c.20G>T on transcript NM_006384.4 (MANE Select); coding-DNA position 20, G replaced by T.
Protein change: p.Arg7Leu; replaces arginine 7 with leucine.
Molecular consequence: missense variant.
Genome position (GRCh38, 1-based): chr15:90,233,866, C>A on the plus strand (G>T on the coding strand, the complement: CIB1 is on the minus strand). VCF-style: chr15-90233866-C-A. GRCh37 (hg19) VCF-style: chr15-90777098-C-A.
Other names: c.20G>T, p.Arg7Leu (NM_001277764.2); short protein forms R7L.
Identifiers: ClinVar variation 1717239 (VCV001717239.6), dbSNP rs1962570345, ClinGen allele CA393817374.

ClinVar aggregate classification (germline): Uncertain significance (1 of 4 stars; one submission).

Allele frequency attached by ClinVar (database versions not stated): gnomAD exomes below 0.00001.
gnomAD v4.1: 1 of 1,502,134 alleles (0.000067%); highest among the groups gnomAD compares: Non-Finnish European, 0.000089%; no homozygotes.

Submission:

Labcorp Genetics (formerly Invitae), Labcorp
Classification: Uncertain significance. Last evaluated: 2022-08-21. Review status: criteria provided, single submitter. Criteria: Invitae Variant Classification Sherloc (09022015). Collection method: clinical testing. Allele origin: germline.
Comment: In summary, the available evidence is currently insufficient to determine the role of this variant in disease. Therefore, it has been classified as a Variant of Uncertain Significance. Algorithms developed to predict the effect of missense changes on protein structure and function are either unavailable or do not agree on the potential impact of this missense change (SIFT: "Tolerated"; PolyPhen-2: "Not Available"; Align-GVGD: "Class C0"). This variant has not been reported in the literature in individuals affected with CIB1-related conditions. This variant is not present in population databases (gnomAD no frequency). This sequence change replaces arginine, which is basic and polar, with leucine, which is neutral and non-polar, at codon 7 of the CIB1 protein (p.Arg7Leu).